The following is an entry in ClinVar:

ClinVar aggregate classification (germline): Uncertain significance (1 of 4 stars; one submission).

Submission:

GeneDx
Classification: Uncertain significance. Last evaluated: 2020-10-22. Review status: criteria provided, single submitter. Criteria: GeneDx Variant Classification Process June 2021. Collection method: clinical testing. Allele origin: germline. Affected: yes.
Comment: Not observed in large population cohorts (Lek et al., 2016); In silico analysis supports that this missense variant does not alter protein structure/function; Has not been previously published as pathogenic or benign to our knowledge

NM_025243.4(SLC19A3):c.39T>G (p.Ile13Met)

Gene: SLC19A3 (solute carrier family 19 member 3; minus strand). Cytogenetic location: 2q36.3.
Variant type: single nucleotide variant.
Coding change: c.39T>G on transcript NM_025243.4 (MANE Select); coding-DNA position 39, T replaced by G.
Protein change: p.Ile13Met; replaces isoleucine 13 with methionine.
Molecular consequence: missense variant. On other transcripts: 5 prime UTR variant (2).
Genome position (GRCh38, 1-based): chr2:227,702,280, A>C on the plus strand (T>G on the coding strand, the complement: SLC19A3 is on the minus strand). VCF-style: chr2-227702280-A-C. GRCh37 (hg19) VCF-style: chr2-228566996-A-C.
Other names: c.39T>G, p.Ile13Met (NM_001371411.1, NM_001371412.1); c.-170T>G (NM_001371413.1, NM_001371414.1); short protein forms I13M.
Identifiers: ClinVar variation 1313457 (VCV001313457.2), dbSNP rs2106332726, ClinGen allele CA350878079.
Genomic context (GRCh38, chr2:227,702,280, plus strand): 5'-TGGTTCTGAGGGTCTCATCATGGAGAAAAAACCAAATAAGCAGAGGATCACAGTGGGGTA[A>C]ATCCAGGAACTGCTTAGTGAAGTTCTGTAACAATCCATGGCTGATCAAATGGAAACAAAG-3'
Protein context (NP_079519.1, residues 3-23): CYRTSLSSSW[Ile13Met]YPTVILCLFG